The following is an entry in ClinVar:

ClinVar aggregate classification (germline): Uncertain significance (1 of 4 stars; one submission).

Allele frequency attached by ClinVar (database versions not stated): gnomAD exomes below 0.00001.
gnomAD v4.1: 1 of 1,613,780 alleles (0.000062%); highest among the groups gnomAD compares: Non-Finnish European, 0.000085%; no homozygotes.

Submission:

GeneDx
Classification: Uncertain significance. Last evaluated: 2019-05-20. Review status: criteria provided, single submitter. Criteria: GeneDx Variant Classification Process June 2021. Collection method: clinical testing. Allele origin: germline. Affected: yes.
Comment: Not observed in large population cohorts (Lek et al., 2016); In silico analysis, which includes protein predictors and evolutionary conservation, supports that this variant does not alter protein structure/function; Has not been previously published as pathogenic or benign to our knowledge

NM_001365999.1(SZT2):c.3274A>C (p.Thr1092Pro)

Gene: SZT2 (SZT2 subunit of KICSTOR complex; plus strand). Cytogenetic location: 1p34.2.
Variant type: single nucleotide variant.
Coding change: c.3274A>C on transcript NM_001365999.1 (MANE Select); coding-DNA position 3274, A replaced by C.
Protein change: p.Thr1092Pro; replaces threonine 1092 with proline.
Molecular consequence: missense variant.
Genome position (GRCh38, 1-based): chr1:43,426,774, A>C. VCF-style: chr1-43426774-A-C. GRCh37 (hg19) VCF-style: chr1-43892445-A-C.
Other names: c.3103A>C, p.Thr1035Pro (NM_015284.4); short protein forms T1035P, T1092P.
Identifiers: ClinVar variation 1305928 (VCV001305928.2), dbSNP rs973226216, ClinGen allele CA21634193.